The following is an entry in ClinVar:

ClinVar aggregate classification (germline): Uncertain significance (1 of 4 stars; one submission).

Conditions:
Adenylosuccinate lyase deficiency (ADSLD). Also called: ADSL DEFICIENCY. Identifiers: Orphanet 46, MedGen C0268126, MONDO:0007068, OMIM 103050.

Allele frequency attached by ClinVar (database versions not stated): gnomAD exomes below 0.00001; TOPMed below 0.00001; ExAC 0.00001.
gnomAD v4.1: 1 of 1,612,916 alleles (0.000062%); highest among the groups gnomAD compares: Admixed American, 0.0017%; no homozygotes.

Submission:

Labcorp Genetics (formerly Invitae), Labcorp
Classification: Uncertain significance for Adenylosuccinate lyase deficiency. Last evaluated: 2025-07-10. Review status: criteria provided, single submitter. Criteria: Invitae Variant Classification Sherloc (09022015). Collection method: clinical testing. Allele origin: germline.
Comment: This sequence change replaces methionine, which is neutral and non-polar, with isoleucine, which is neutral and non-polar, at codon 476 of the ADSL protein (p.Met476Ile). This variant is present in population databases (rs773810168, gnomAD 0.003%). This variant has not been reported in the literature in individuals affected with ADSL-related conditions. ClinVar contains an entry for this variant (Variation ID: 1370880). An algorithm developed to predict the effect of missense changes on protein structure and function (PolyPhen-2) suggests that this variant is likely to be tolerated. In summary, the available evidence is currently insufficient to determine the role of this variant in disease. Therefore, it has been classified as a Variant of Uncertain Significance.

NM_000026.4(ADSL):c.1428G>A (p.Met476Ile)

Gene: ADSL (adenylosuccinate lyase; plus strand). Cytogenetic location: 22q13.1.
Variant type: single nucleotide variant.
Coding change: c.1428G>A on transcript NM_000026.4 (MANE Select); coding-DNA position 1428, G replaced by A.
Protein change: p.Met476Ile; replaces methionine 476 with isoleucine.
Molecular consequence: missense variant. On other transcripts: non-coding transcript variant (1).
Genome position (GRCh38, 1-based): chr22:40,366,495, G>A. VCF-style: chr22-40366495-G-A. GRCh37 (hg19) VCF-style: chr22-40762499-G-A.
Other names: c.1251G>A, p.Met417Ile (NM_001123378.3); c.1236G>A, p.Met412Ile (NM_001317923.2); c.1428G>A, p.Met476Ile (NM_001363840.3); short protein forms M476I, M417I, M412I.
Identifiers: ClinVar variation 1370880 (VCV001370880.6), dbSNP rs773810168, ClinGen allele CA10248009.